The following is an entry in ClinVar:

ClinVar aggregate classification (germline): Uncertain significance. Review status: criteria provided, multiple submitters, no conflicts (2 of 4 stars). 4 submissions from 4 submitters: Uncertain significance (4). Last evaluated 2026-01-20.

Conditions:
Tietz syndrome (TADS). Also called: ALBINISM-DEAFNESS OF TIETZ; HYPOPIGMENTATION/DEAFNESS OF TIETZ; TIETZ ALBINISM-DEAFNESS SYNDROME. Identifiers: Orphanet 42665, MedGen C0391816, MONDO:0007077, OMIM 103500.
Melanoma, cutaneous malignant, susceptibility to, 8. Also called: MELANOMA AND RENAL CELL CARCINOMA, SUSCEPTIBILITY TO; Cutaneous malignant melanoma 8. Identifiers: Orphanet 293822, MedGen C3152204, MONDO:0013759, OMIM 614456.
Waardenburg syndrome type 2A (WS2A). Also called: WAARDENBURG SYNDROME WITHOUT DYSTOPIA CANTHORUM. Identifiers: Orphanet 3440, MedGen C1860339, MONDO:0008671, OMIM 193510.
Hereditary cancer-predisposing syndrome. Also called: Neoplastic Syndromes, Hereditary; Tumor predisposition; Hereditary Cancer Syndrome; Hereditary neoplastic syndrome. Identifiers: Orphanet 140162, MedGen C0027672, MeSH D009386, MONDO:0015356.

Allele frequency attached by ClinVar (database versions not stated): ExAC 0.00002; gnomAD 0.00001; gnomAD exomes 0.00001 and 0.00003; TOPMed 0.00002.
gnomAD v4.1: 16 of 1,613,920 alleles (0.00099%); highest among the groups gnomAD compares: Admixed American, 0.01%; no homozygotes.

Submissions (4):

Labcorp Genetics (formerly Invitae), Labcorp
Classification: Uncertain significance for Melanoma, cutaneous malignant, susceptibility to, 8; Waardenburg syndrome type 2A; Tietz syndrome. Last evaluated: 2026-01-20. Review status: criteria provided, single submitter. Criteria: Invitae Variant Classification Sherloc (09022015). Collection method: clinical testing. Allele origin: germline.
Comment: This sequence change replaces arginine, which is basic and polar, with glutamine, which is neutral and polar, at codon 29 of the MITF protein (p.Arg29Gln). This variant is present in population databases (rs750608171, gnomAD 0.01%). This variant has not been reported in the literature in individuals affected with MITF-related conditions. ClinVar contains an entry for this variant (Variation ID: 1692272). Invitae Evidence Modeling of protein sequence and biophysical properties (such as structural, functional, and spatial information, amino acid conservation, physicochemical variation, residue mobility, and thermodynamic stability) indicates that this missense variant is not expected to disrupt MITF protein function with a negative predictive value of 80%. In summary, the available evidence is currently insufficient to determine the role of this variant in disease. Therefore, it has been classified as a Variant of Uncertain Significance.

Dasa
Classification: Uncertain significance. Last evaluated: 2025-08-17. Review status: criteria provided, single submitter. Criteria: DASA Assertion Criteria. Collection method: clinical testing. Allele origin: germline.
Comment: NM_001354604.2(MITF):c.407G>A (p.Arg136Gln) is a missense variant that results in the substitution of arginine with glutamine. This variant is rare in population databases. Computational prediction algorithms are consistent with a benign effect. The currently available literature and clinical evidence are not sufficient to establish a definitive association between this variant and the reported condition. Therefore, this variant is classified as a variant of uncertain significance.

Ambry Genetics
Classification: Uncertain significance for Hereditary cancer-predisposing syndrome. Last evaluated: 2024-12-16. Review status: criteria provided, single submitter. Criteria: Ambry Variant Classification Scheme 2023. Collection method: clinical testing. Allele origin: germline.
Comment: The p.R29Q variant (also known as c.86G>A), located in coding exon 2 of the MITF gene, results from a G to A substitution at nucleotide position 86. The arginine at codon 29 is replaced by glutamine, an amino acid with highly similar properties. This amino acid position is conserved. In addition, this alteration is predicted to be tolerated by in silico analysis. Based on the available evidence, the clinical significance of this variant remains unclear.

Sema4
Classification: Uncertain significance for Hereditary cancer-predisposing syndrome. Last evaluated: 2021-04-30. Review status: criteria provided, single submitter. Criteria: Sema4 Curation Guidelines. Collection method: curation. Allele origin: germline.
Comment: The MITF c.86G>A (p.R29Q) variant has not been reported in the literature to our knowledge. It was observed in 4/34582 chromosomes of the Latino subpopulation in the large and broad cohorts of the Genome Aggregation Database. The variant has not been reported in ClinVar. In silico tools suggest the impact of the variant on protein function is inconclusive, though these predictions have not been confirmed by functional studies. The evidence is insufficient to meet ACMG/AMP criteria for classifying the variant as benign or pathogenic. Thus, the clinical significance of this variant is currently uncertain.

NM_001354604.2(MITF):c.407G>A (p.Arg136Gln)

Gene: MITF (melanocyte inducing transcription factor; plus strand). Cytogenetic location: 3p13.
Variant type: single nucleotide variant.
Coding change: c.407G>A on transcript NM_001354604.2 (MANE Select); coding-DNA position 407, G replaced by A.
Protein change: p.Arg136Gln; replaces arginine 136 with glutamine.
Molecular consequence: missense variant.
Genome position (GRCh38, 1-based): chr3:69,937,874, G>A. VCF-style: chr3-69937874-G-A. GRCh37 (hg19) VCF-style: chr3-69987025-G-A.
Other names: c.86G>A, p.Arg29Gln (NM_000248.4, NM_001184968.2, NM_198158.3 and 1 more transcripts); c.251G>A, p.Arg84Gln (NM_001184967.2, NM_001354608.2); c.404G>A, p.Arg135Gln (NM_001354605.2, NM_001354606.2, NM_006722.3); c.356G>A, p.Arg119Gln (NM_001354607.2); c.407G>A, p.Arg136Gln (NM_198159.3); c.359G>A, p.Arg120Gln (NM_198177.3); short protein forms R119Q, R120Q, R135Q, R136Q, R29Q, R84Q.
Identifiers: ClinVar variation 1692272 (VCV001692272.8), dbSNP rs750608171, ClinGen allele CA2490354.